The following is an entry in ClinVar:

ClinVar aggregate classification (germline): Uncertain significance (1 of 4 stars; one submission).

Conditions:
Malignant hyperthermia, susceptibility to, 1 (MHS1). Also called: RYR1-Related Malignant Hyperthermia Susceptibility; Malignant hyperthermia suceptibility 1; Anesthesia related hyperthermia; Malignant hyperpyrexia; Fulminating hyperpyrexia; Pharmacogenic myopathy. Identifiers: Orphanet 423, MedGen C2930980, MONDO:0007783, OMIM 145600.

Submission:

Color Diagnostics, LLC DBA Color Health
Classification: Uncertain significance for Malignant hyperthermia, susceptibility to, 1. Last evaluated: 2025-06-23. Review status: criteria provided, single submitter. Criteria: ACMG Guidelines, 2015. Collection method: clinical testing. Allele origin: germline.
Comment: This missense variant replaces isoleucine with valine at codon 3510 of the RYR1 protein. Computational prediction is inconclusive regarding the impact of this variant on protein structure and function. To our knowledge, functional studies have not been reported for this variant. This variant has not been reported in individuals affected with RYR1-related disorders in the literature. This variant has not been identified in the general population by the Genome Aggregation Database (gnomAD). The available evidence is insufficient to determine the role of this variant in disease conclusively. Therefore, this variant is classified as a Variant of Uncertain Significance.

NM_000540.3(RYR1):c.10528A>G (p.Ile3510Val)

Gene: RYR1 (ryanodine receptor 1; plus strand). Cytogenetic location: 19q13.2.
Variant type: single nucleotide variant.
Coding change: c.10528A>G on transcript NM_000540.3 (MANE Select); coding-DNA position 10528, A replaced by G.
Protein change: p.Ile3510Val; replaces isoleucine 3510 with valine.
Molecular consequence: missense variant.
Genome position (GRCh38, 1-based): chr19:38,525,404, A>G. VCF-style: chr19-38525404-A-G. GRCh37 (hg19) VCF-style: chr19-39016044-A-G.
Other names: c.10513A>G, p.Ile3505Val (NM_001042723.2); short protein forms I3505V, I3510V.
Identifiers: ClinVar variation 4756832 (VCV004756832.1).